The following is an entry in ClinVar:

NM_000492.4(CFTR):c.1859A>C (p.His620Pro)

Gene: CFTR (CF transmembrane conductance regulator; plus strand). Cytogenetic location: 7q31.2.
Variant type: single nucleotide variant.
Coding change: c.1859A>C on transcript NM_000492.4 (MANE Select); coding-DNA position 1859, A replaced by C.
Protein change: p.His620Pro; replaces histidine 620 with proline.
Molecular consequence: missense variant.
Genome position (GRCh38, 1-based): chr7:117,592,026, A>C. VCF-style: chr7-117592026-A-C. GRCh37 (hg19) VCF-style: chr7-117232080-A-C.
Other names: short protein forms H620P.
Identifiers: ClinVar variation 53406 (VCV000053406.2), dbSNP rs397508314, ClinGen allele CA326702.

ClinVar aggregate classification (germline): Likely pathogenic. Review status: criteria provided, single submitter (1 of 4 stars). 2 submissions from 2 submitters: Likely pathogenic (1). 1 of the submissions does not count toward it. Last evaluated 2025-12-10.

Conditions:
CFTR-related disorder (CFTR-RD). Also called: CFTR-related disorders; CFTR-related condition. Identifiers: MedGen C5924204, MONDO:7770004.
Cystic fibrosis (CF). Also called: MUCOVISCIDOSIS. Identifiers: Orphanet 586, MedGen C0010674, MONDO:0009061, OMIM 219700. Disease mechanism: loss of function.

gnomAD v4.1: 1 of 1,595,456 alleles (0.000063%); highest among the groups gnomAD compares: Non-Finnish European, 0.000085%; no homozygotes.

Submissions (2):

Natera, Inc.
Classification: Likely pathogenic for CFTR-related disorders. Last evaluated: 2025-12-10. Review status: criteria provided, single submitter. Criteria: Natera Variant Classification Schema (03/2026). Collection method: clinical testing. Allele origin: germline.
Comment: The c.1859A>C variant in CFTR is a missense variant predicted to cause substitution of histidine to proline at amino acid 620. This variant is rare in the general population with a frequency below the threshold expected for the associated phenotype(s). This variant has been observed in one or more individuals affected with the associated recessive disease, as either homozygous or compound heterozygous with a second variant (PMID: 9736778, 32084388, 24586523). Functional studies show that this variant may disrupt protein function (PMID: 38388235). A different variant at the same position has been determined to be Pathogenic or Likely Pathogenic. Computational prediction algorithms indicate this variant is likely to affect gene or protein function. Given the available evidence, this variant is classified as Likely Pathogenic.

ClinVar Staff, National Center for Biotechnology Information (NCBI)
No classification provided. Condition: CFTR-related disorders. Review status: no classification provided. Collection method: literature only. Allele origin: germline. Affected: yes. Not counted in ClinVar's aggregate classification.

Literature cited by the submitters: PubMed 9736778 (cited by Natera, Inc. and ClinVar Staff, National Center for Biotechnology Information (NCBI)); PubMed 32084388 (cited by Natera, Inc.); PubMed 24586523 (cited by Natera, Inc.); PubMed 38388235 (cited by Natera, Inc.).